The following is an entry in ClinVar:

ClinVar aggregate classification (germline): Uncertain significance. Review status: criteria provided, multiple submitters, no conflicts (2 of 4 stars). 2 submissions from 2 submitters: Uncertain significance (2). Last evaluated 2026-02-17.

Conditions:
Charcot-Marie-Tooth disease dominant intermediate C (CMTDIC). Also called: CHARCOT-MARIE-TOOTH NEUROPATHY, DOMINANT INTERMEDIATE C. Identifiers: Orphanet 100045, MedGen C1842237, MONDO:0012012, OMIM 608323.
YARS1-related disorder. Also called: YARS1-related condition.

Allele frequency attached by ClinVar (database versions not stated): gnomAD 0.00001.
gnomAD v4.1: 1 of 1,614,078 alleles (0.000062%); highest among the groups gnomAD compares: Non-Finnish European, 0.000085%; no homozygotes.

Submissions (2):

PreventionGenetics, part of Exact Sciences
Classification: Uncertain significance for YARS1-related condition. Last evaluated: 2026-02-17. Review status: criteria provided, single submitter. Criteria: ACMG Guidelines, 2015. Collection method: clinical testing. Allele origin: germline.
Comment: The YARS1 c.57+1G>A variant is predicted to disrupt the GT donor site and interfere with normal splicing. To our knowledge, this variant has not been reported in the literature or in a large population database (gnomAD), indicating this variant is rare. At this time, the clinical significance of this variant is uncertain due to the absence of conclusive functional and genetic evidence.

Labcorp Genetics (formerly Invitae), Labcorp
Classification: Uncertain significance for Charcot-Marie-Tooth disease dominant intermediate C. Last evaluated: 2021-10-03. Review status: criteria provided, single submitter. Criteria: Invitae Variant Classification Sherloc (09022015). Collection method: clinical testing. Allele origin: germline.
Comment: This variant has not been reported in the literature in individuals affected with YARS-related conditions. In summary, the available evidence is currently insufficient to determine the role of this variant in disease. Therefore, it has been classified as a Variant of Uncertain Significance. Algorithms developed to predict the effect of sequence changes on RNA splicing suggest that this variant may disrupt the consensus splice site. This variant is not present in population databases (ExAC no frequency). This sequence change affects a donor splice site in intron 1 of the YARS gene. It is expected to disrupt RNA splicing. Variants that disrupt the donor or acceptor splice site typically lead to a loss of protein function (PMID: 16199547), however the current clinical and genetic evidence is not sufficient to establish whether loss-of-function variants in YARS cause disease.

Literature cited by the submitters: PubMed 16199547 (cited by Labcorp Genetics (formerly Invitae), Labcorp).

NM_003680.4(YARS1):c.57+1G>A

Genes: S100PBP (S100P binding protein; plus strand), YARS1 (tyrosyl-tRNA synthetase 1; minus strand). Cytogenetic location: 1p35.1.
Variant type: single nucleotide variant.
Coding change: c.57+1G>A on transcript NM_003680.4 (MANE Select); the canonical splice donor site of the intron after coding-DNA position 57, G replaced by A.
Molecular consequence: splice donor variant.
Genome position (GRCh38, 1-based): chr1:32,817,187, C>T on the plus strand (G>A on the coding strand, the complement: YARS1 is on the minus strand). VCF-style: chr1-32817187-C-T. GRCh37 (hg19) VCF-style: chr1-33282788-C-T.
Other names: c.57+1G>A (NM_003680.3).
Identifiers: ClinVar variation 1681541 (VCV001681541.7), dbSNP rs1309507387, ClinGen allele CA339688940.